The following is an entry in ClinVar:

NM_001127649.3(PEX26):c.2T>C (p.Met1Thr)

Genes: PEX26 (peroxisomal biogenesis factor 26; plus strand), LOC130066940 (ATAC-STARR-seq lymphoblastoid silent region 13448; plus strand). Cytogenetic location: 22q11.21.
Variant type: single nucleotide variant.
Coding change: c.2T>C on transcript NM_001127649.3 (MANE Select); coding-DNA position 2, T replaced by C.
Protein change: p.Met1Thr; changes the start codon (methionine 1).
Molecular consequence: missense variant, initiator codon variant.
Genome position (GRCh38, 1-based): chr22:18,078,378, T>C. VCF-style: chr22-18078378-T-C. GRCh37 (hg19) VCF-style: chr22-18561144-T-C.
Other names: c.2T>C, p.Met1Thr (NM_001199319.2, NM_017929.6); short protein forms M1T.
Identifiers: ClinVar variation 2156 (VCV000002156.10), dbSNP rs74315506, ClinGen allele CA115372.
Genomic context (GRCh38, chr22:18,078,378, plus strand): 5'-CCTCTGGGGAGGCGGTCACTCCGACGTCTGAGGACCTGGGCCTTGGACCCGGACTCGTTA[T>C]GAAGAGCGATTCTTCGACCTCTGCAGCCCCCCTCAGGGGGCTCGGGGGACCCCTGCGCAG-3'
Protein context (NP_001121121.1, residues 1-11): [Met1Thr]KSDSSTSAAP

ClinVar aggregate classification (germline): Pathogenic/Likely pathogenic. Review status: criteria provided, multiple submitters, no conflicts (2 of 4 stars). 5 submissions from 5 submitters: Pathogenic (3); Likely pathogenic (1). 1 of the submissions does not count toward it. Last evaluated 2025-03-10.

Conditions:
Peroxisome biogenesis disorder 7A (Zellweger). Also called: Peroxisome biogenesis disorder 7A. Identifiers: Orphanet 912, MedGen C3888385, MONDO:0013938, OMIM 614872.
Peroxisome biogenesis disorder 7B (PBD7B). Identifiers: Orphanet 44, MedGen C3553951, MONDO:0013939, OMIM 614873.

Allele frequency attached by ClinVar (database versions not stated): gnomAD exomes below 0.00001.

Submissions (5):

Labcorp Genetics (formerly Invitae), Labcorp
Classification: Pathogenic for Peroxisome biogenesis disorder 7A (Zellweger); Peroxisome biogenesis disorder 7B. Last evaluated: 2025-03-10. Review status: criteria provided, single submitter. Criteria: Invitae Variant Classification Sherloc (09022015). Collection method: clinical testing. Allele origin: germline.
Comment: This sequence change affects the initiator methionine of the PEX26 mRNA. The next in-frame methionine is located at codon 96. This variant is not present in population databases (gnomAD no frequency). Disruption of the initiator codon has been observed in individual(s) with PEX26-related conditions (PMID: 12851857). ClinVar contains an entry for this variant (Variation ID: 2156). Algorithms developed to predict the effect of variants on gene product structure and function are not available or were not evaluated for this variant. Experimental studies have shown that disruption of the initiator codon affects PEX26 function (PMID: 12851857). This variant disrupts a region of the PEX26 protein in which other variant(s) (p.Gly89Arg) have been determined to be pathogenic (PMID: 12851857). This suggests that this is a clinically significant region of the protein, and that variants that disrupt it are likely to be disease-causing. For these reasons, this variant has been classified as Pathogenic.

Fulgent Genetics
Classification: Pathogenic for Peroxisome biogenesis disorder 7A (Zellweger); Peroxisome biogenesis disorder 7B. Last evaluated: 2024-05-20. Review status: criteria provided, single submitter. Criteria: ACMG Guidelines, 2015. Collection method: clinical testing. Allele origin: germline.

GeneDx
Classification: Pathogenic. Last evaluated: 2022-02-02. Review status: criteria provided, single submitter. Criteria: GeneDx Variant Classification Process June 2021. Collection method: clinical testing. Allele origin: germline. Affected: yes.
Comment: Initiation codon variant in a gene for which loss-of-function is a known mechanism of disease; Not observed at significant frequency in large population cohorts (gnomAD); This variant is associated with the following publications: (PMID: 25525159, 12851857, 15858711, 16257970)

Illumina Laboratory Services, Illumina
Classification: Likely pathogenic for Peroxisome biogenesis disorder 7A (Zellweger). Last evaluated: 2018-08-17. Review status: criteria provided, single submitter. Criteria: ICSL Variant Classification Criteria 09 May 2019. Collection method: clinical testing. Allele origin: germline.
Comment: The PEX26 c.2T>C (p.Met1?) variant is predicted to disrupt the initiator codon and thus may interfere with protein expression. This variant has been reported in two individuals with infantile Refsum disease, both of whom were compound heterozygous for this variant and the same missense variant (Matsumoto et al. 2003; Weller et al. 2005). Another variant (c.3T>C) that results in the same protein consequence has been reported in a compound heterozygous state in an individual with hearing loss and enamel defects, consistent with Heimler syndrome (Neuhaus et al. 2017). The p.Met1? variant was absent from 106 control chromosomes but is reported at a frequency of 0.000062 in the East Asian population of the Genome Aggregation Database. However, this frequency is based on one allele in a region of good sequencing coverage, so the variant is presumed to be rare. Studies in patient and non-patient cells have demonstrated that the variant impairs protein function, including less effective recruitment of Pex1p-Pex6p complexes to peroxisomes and reduced peroxisomal protein import (Matsumoto et al. 2003; Weller et al. 2005; Furuki et al. 2006). Due to the potential impact of initiator codon variants and the available literature, the p.Met1? variant is classified as likely pathogenic for Zellweger syndrome spectrum. This variant was observed by ICSL as part of a predisposition screen in an ostensibly healthy population.

OMIM
Classification: Pathogenic for PEROXISOME BIOGENESIS DISORDER 7B. Last evaluated: 2003-08-01. Review status: no assertion criteria provided. Collection method: literature only. Allele origin: germline. Not counted in ClinVar's aggregate classification.

Literature cited by the submitters: PubMed 12851857 (cited by 3 submitters); PubMed 28944237 (cited by Illumina Laboratory Services, Illumina); PubMed 16257970 (cited by Illumina Laboratory Services, Illumina); PubMed 15858711 (cited by Illumina Laboratory Services, Illumina).